The following is an entry in ClinVar:

NM_002017.5(FLI1):c.719A>G (p.Lys240Arg)

Gene: FLI1 (Fli-1 proto-oncogene, ETS transcription factor; plus strand). Cytogenetic location: 11q24.3.
Variant type: single nucleotide variant.
Coding change: c.719A>G on transcript NM_002017.5 (MANE Select); coding-DNA position 719, A replaced by G.
Protein change: p.Lys240Arg; replaces lysine 240 with arginine.
Molecular consequence: missense variant. On other transcripts: intron variant (1).
Genome position (GRCh38, 1-based): chr11:128,805,429, A>G. VCF-style: chr11-128805429-A-G. GRCh37 (hg19) VCF-style: chr11-128675324-A-G.
Other names: c.620A>G, p.Lys207Arg (NM_001167681.3, NM_001440369.1, NM_001440370.1 and 1 more transcripts); c.521A>G, p.Lys174Arg (NM_001271010.2); c.140A>G, p.Lys47Arg (NM_001271012.2); c.656-3728A>G (NM_001440372.1); short protein forms K174R, K207R, K47R, K240R.
Identifiers: ClinVar variation 4706113 (VCV004706113.1).
Genomic context (GRCh38, chr11:128,805,429, plus strand): 5'-CTTCTTATGACTCAGTCAGAAGAGGAGCTTGGGGCAATAACATGAATTCTGGCCTCAACA[A>G]AAGTAAGTAAATGTTTTATAGTTCTTTGGAGGAAAGCATGTTTCTGAGGACAGGATTGGA-3'
Protein context (NP_002008.2, residues 230-250): WGNNMNSGLN[Lys240Arg]SPPLGGAQTI

ClinVar aggregate classification (germline): Uncertain significance (1 of 4 stars; one submission).

gnomAD v4.1: 3 of 1,558,474 alleles (0.00019%); highest among the groups gnomAD compares: Non-Finnish European, 0.00026%; no homozygotes.

Submission:

Labcorp Genetics (formerly Invitae), Labcorp
Classification: Uncertain significance. Last evaluated: 2025-10-09. Review status: criteria provided, single submitter. Criteria: Invitae Variant Classification Sherloc (09022015). Collection method: clinical testing. Allele origin: germline.
Comment: This sequence change replaces lysine, which is basic and polar, with arginine, which is basic and polar, at codon 240 of the FLI1 protein (p.Lys240Arg). The frequency data for this variant in the population databases is considered unreliable, as metrics indicate poor data quality at this position in the gnomAD database. This variant has not been reported in the literature in individuals affected with FLI1-related conditions. An algorithm developed to predict the effect of missense changes on protein structure and function (PolyPhen-2) suggests that this variant is likely to be tolerated. In summary, the available evidence is currently insufficient to determine the role of this variant in disease. Therefore, it has been classified as a Variant of Uncertain Significance.